The following is an entry in ClinVar:

NM_003816.3(ADAM9):c.1962+53_1962+68del

Gene: ADAM9 (ADAM metallopeptidase domain 9; plus strand). Cytogenetic location: 8p11.22.
Variant type: Deletion.
Coding change: c.1962+53_1962+68del on transcript NM_003816.3 (MANE Select); bases 53 to 68 of the intron after coding-DNA position 1962, 16 bases deleted (AAATCTCAGGACTAGA).
Molecular consequence: intron variant.
Genome position (GRCh38, 1-based): chr8:39,082,774-39,082,789, AAATCTCAGGACTAGA deleted. VCF-style (leftmost placement, unchanged base first): chr8-39082773-GAAATCTCAGGACTAGA-G. GRCh37 (hg19) VCF-style: chr8-38940292-GAAATCTCAGGACTAGA-G.
Identifiers: ClinVar variation 677215 (VCV000677215.1), dbSNP rs72459173, ClinGen allele CA4721769.
Genomic context (GRCh38, chr8:39,082,773, plus strand): 5'-GGACATGGGGTAGGTAATGTTTTCTTTTGGCTTGTTCCTGAAAGTAGTGCTAAATAATGA[GAAATCTCAGGACTAGA>G]TGAGAGTTCCCAGGATTTTCAGATGTTGGGGAATTTAGATTCCTGATAAAATTTTCATTC-3'

ClinVar aggregate classification (germline): Benign (1 of 4 stars; one submission).

Allele frequency attached by ClinVar (database versions not stated): 1000 Genomes Project 30x 0.21736; 1000 Genomes Project 0.22065; TOPMed 0.22674; gnomAD 0.23062 and 0.23473; ExAC 0.26232; gnomAD exomes 0.26387 and 0.28574.

Submission:

GeneDx
Classification: Benign. Last evaluated: 2018-06-14. Review status: criteria provided, single submitter. Criteria: GeneDx Variant Classification (06012015). Collection method: clinical testing. Allele origin: germline. Affected: yes.
Comment: This variant is considered likely benign or benign based on one or more of the following criteria: it is a conservative change, it occurs at a poorly conserved position in the protein, it is predicted to be benign by multiple in silico algorithms, and/or has population frequency not consistent with disease.